The following is an entry in ClinVar:

NM_001042492.3(NF1):c.6691G>T (p.Glu2231Ter)

Gene: NF1 (neurofibromin 1; plus strand). Cytogenetic location: 17q11.2.
Variant type: single nucleotide variant.
Coding change: c.6691G>T on transcript NM_001042492.3 (MANE Select); coding-DNA position 6691, G replaced by T.
Protein change: p.Glu2231Ter; replaces glutamic acid 2231 with a stop codon.
Molecular consequence: nonsense.
Genome position (GRCh38, 1-based): chr17:31,337,867, G>T. VCF-style: chr17-31337867-G-T. GRCh37 (hg19) VCF-style: chr17-29664885-G-T.
Other names: c.6628G>T, p.Glu2210Ter (NM_000267.4); short protein forms E2210*, E2231*.
Identifiers: ClinVar variation 3374754 (VCV003374754.3).

ClinVar aggregate classification (germline): Pathogenic. Review status: criteria provided, multiple submitters, no conflicts (2 of 4 stars). 2 submissions from 2 submitters: Pathogenic (2). Last evaluated 2024-11-11.

Conditions:
Neurofibromatosis, type 1 (NF1). Also called: Neurofibromatosis, type I; VON RECKLINGHAUSEN DISEASE; NEUROFIBROMATOSIS, TYPE I, SOMATIC; Peripheral type neurofibromatosis. Identifiers: Orphanet 636, MedGen C0027831, MONDO:0018975, OMIM 162200. Disease mechanism: loss of function.

Submissions (2):

NHS Central & South Genomic Laboratory Hub
Classification: Pathogenic for Neurofibromatosis type 1. Last evaluated: 2024-11-11. Review status: criteria provided, single submitter. Criteria: ACMG Guidelines, 2015. Collection method: clinical testing. Allele origin: germline. Affected: yes.

Labcorp Genetics (formerly Invitae), Labcorp
Classification: Pathogenic for Neurofibromatosis, type 1. Last evaluated: 2024-09-09. Review status: criteria provided, single submitter. Criteria: Invitae Variant Classification Sherloc (09022015). Collection method: clinical testing. Allele origin: germline.
Comment: This sequence change creates a premature translational stop signal (p.Glu2210*) in the NF1 gene. It is expected to result in an absent or disrupted protein product. Loss-of-function variants in NF1 are known to be pathogenic (PMID: 10712197, 23913538). This variant is not present in population databases (gnomAD no frequency). This premature translational stop signal has been observed in individual(s) with clinical features of neurofibromatosis type 1 (PMID: 10712197). For these reasons, this variant has been classified as Pathogenic.

Literature cited by the submitters: PubMed 10712197 (cited by Labcorp Genetics (formerly Invitae), Labcorp); PubMed 23913538 (cited by Labcorp Genetics (formerly Invitae), Labcorp).